The following is an entry in ClinVar:

ClinVar aggregate classification (germline): Uncertain significance (1 of 4 stars; one submission).

Conditions:
Autosomal dominant non-syndromic intellectual disability. Identifiers: Orphanet 178469, MedGen C5680502, MONDO:0015802.

Submission:

Department of Human Genetics, University Hospital Bern, Inselspital
Classification: Uncertain significance for Autosomal dominant non-syndromic intellectual disability. Last evaluated: 2026-05-03. Review status: criteria provided, single submitter. Criteria: ACMG Guidelines, 2015. Collection method: clinical testing. Allele origin: de novo. Affected: yes.
Comment: The missense variant affects a conserved amino acid outside the functional domains and is predicted to have a damaging effect by AlphaMissense and PrimateAI-3D. The variant has been shown to have occurred de novo and is absent from gnomAD v4.1.0. In summary, criteria PS2_Supporting, PM2_Supporting and PP3_Supporting were used.

Literature cited by the submitters: PubMed 42509346.

NM_001256627.2(BRSK2):c.1414G>A (p.Gly472Arg)

Gene: BRSK2 (BR serine/threonine kinase 2; plus strand). Cytogenetic location: 11p15.5.
Variant type: single nucleotide variant.
Coding change: c.1414G>A on transcript NM_001256627.2 (MANE Select); coding-DNA position 1414, G replaced by A.
Protein change: p.Gly472Arg; replaces glycine 472 with arginine.
Molecular consequence: missense variant. On other transcripts: non-coding transcript variant (1).
Genome position (GRCh38, 1-based): chr11:1,450,713, G>A. VCF-style: chr11-1450713-G-A. GRCh37 (hg19) VCF-style: chr11-1471943-G-A.
Other names: c.1414G>A, p.Gly472Arg (NM_001256629.2, NM_003957.4); c.1552G>A, p.Gly518Arg (NM_001256630.1, NM_001440667.1); c.1234G>A, p.Gly412Arg (NM_001282218.2, NM_001440669.1, NM_001440673.1 and 3 more transcripts); c.1846G>A, p.Gly616Arg (NM_001440665.1); c.1780G>A, p.Gly594Arg (NM_001440666.1); c.1480G>A, p.Gly494Arg (NM_001440668.1, NM_001440670.1); c.1300G>A, p.Gly434Arg (NM_001440671.1, NM_001440672.1); short protein forms G412R, G434R, G472R, G494R, G518R, G594R, G616R.
Identifiers: ClinVar variation 4849553 (VCV004849553.1).
Genomic context (GRCh38, chr11:1,450,713, plus strand): 5'-CCAAAGGAGAGCCCGGCTGGCACGCCCAACCCCACGCCCCCGTCCAGCCCCAGCGTCGGA[G>A]GGGTGCCCTGGAGGGCGCGGCTCAACTCCATCAAGAACAGCTTTCTGGGCTCACCCCGCT-3'
Protein context (NP_001243556.1, residues 462-482): PTPPSSPSVG[Gly472Arg]VPWRARLNSI